The following is an entry in ClinVar:

ClinVar aggregate classification (germline): Uncertain significance (1 of 4 stars; one submission).

Conditions:
Encephalopathy, acute, infection-induced (herpes-specific), susceptibility to, 1. Also called: Herpes simplex encephalitis, susceptibility to, 1. Identifiers: Orphanet 1930, MedGen C2750180, MONDO:0024563, OMIM 610551.

Allele frequency attached by ClinVar (database versions not stated): gnomAD 0.00002 and 0.00001; 1000 Genomes Project 30x 0.00016; TOPMed 0.00002.

Submission:

Labcorp Genetics (formerly Invitae), Labcorp
Classification: Uncertain significance for Encephalopathy, acute, infection-induced (herpes-specific), susceptibility to, 1. Last evaluated: 2024-02-24. Review status: criteria provided, single submitter. Criteria: Invitae Variant Classification Sherloc (09022015). Collection method: clinical testing. Allele origin: germline.
Comment: This sequence change creates a premature translational stop signal (p.Arg488*) in the TLR3 gene. It is expected to result in an absent or disrupted protein product. However, the current clinical and genetic evidence is not sufficient to establish whether loss-of-function variants in TLR3 cause disease. This variant is present in population databases (rs772992927, gnomAD 0.006%). This variant has not been reported in the literature in individuals affected with TLR3-related conditions. ClinVar contains an entry for this variant (Variation ID: 1437338). In summary, the available evidence is currently insufficient to determine the role of this variant in disease. Therefore, it has been classified as a Variant of Uncertain Significance.

NM_003265.3(TLR3):c.1462C>T (p.Arg488Ter)

Gene: TLR3 (toll like receptor 3; plus strand). Cytogenetic location: 4q35.1.
Variant type: single nucleotide variant.
Coding change: c.1462C>T on transcript NM_003265.3 (MANE Select); coding-DNA position 1462, C replaced by T.
Protein change: p.Arg488Ter; replaces arginine 488 with a stop codon.
Molecular consequence: nonsense.
Genome position (GRCh38, 1-based): chr4:186,083,148, C>T. VCF-style: chr4-186083148-C-T. GRCh37 (hg19) VCF-style: chr4-187004302-C-T.
Other names: short protein forms R488*.
Identifiers: ClinVar variation 1437338 (VCV001437338.6), dbSNP rs772992927, ClinGen allele CA3161410.
Genomic context (GRCh38, chr4:186,083,148, plus strand): 5'-TACCTGCAGCTGACTAGGAACTCCTTTGCCTTGGTCCCAAGCCTTCAACGACTGATGCTC[C>T]GAAGGGTGGCCCTTAAAAATGTGGATAGCTCTCCTTCACCATTCCAGCCTCTTCGTAACT-3'